The following is an entry in ClinVar:

NM_002250.3(KCNN4):c.418C>A (p.Pro140Thr)

Gene: KCNN4 (potassium calcium-activated channel subfamily N member 4; minus strand). Cytogenetic location: 19q13.31.
Variant type: single nucleotide variant.
Coding change: c.418C>A on transcript NM_002250.3 (MANE Select); coding-DNA position 418, C replaced by A.
Protein change: p.Pro140Thr; replaces proline 140 with threonine.
Molecular consequence: missense variant.
Genome position (GRCh38, 1-based): chr19:43,774,457, G>T on the plus strand (C>A on the coding strand, the complement: KCNN4 is on the minus strand). VCF-style: chr19-43774457-G-T. GRCh37 (hg19) VCF-style: chr19-44278609-G-T.
Other names: short protein forms P140T.
Identifiers: ClinVar variation 4701547 (VCV004701547.1).
Genomic context (GRCh38, chr19:43,774,457, plus strand): 5'-GACGCAGCAGCATGGCCAGGGACAGCAGCGCTTCCCCTTGGCCCAGGAATCCCGGCCAGG[G>T]CTGCGGGGAGGTCAGCGGCGCCCCTAAATCCTGCACGCACGGCGGGCCCCGCACGGGCGC-3'
Protein context (NP_002241.1, residues 130-150): DLGAPLTSPQ[Pro140Thr]WPGFLGQGEA

ClinVar aggregate classification (germline): Uncertain significance (1 of 4 stars; one submission).

gnomAD v4.1: 6 of 1,595,042 alleles (0.00038%); highest among the groups gnomAD compares: East Asian, 0.014%; no homozygotes.

Submission:

Labcorp Genetics (formerly Invitae), Labcorp
Classification: Uncertain significance. Last evaluated: 2025-10-13. Review status: criteria provided, single submitter. Criteria: Invitae Variant Classification Sherloc (09022015). Collection method: clinical testing. Allele origin: germline.
Comment: This sequence change replaces proline, which is neutral and non-polar, with threonine, which is neutral and polar, at codon 140 of the KCNN4 protein (p.Pro140Thr). The frequency data for this variant in the population databases is considered unreliable, as metrics indicate poor data quality at this position in the gnomAD database. This variant has not been reported in the literature in individuals affected with KCNN4-related conditions. Invitae Evidence Modeling of protein sequence and biophysical properties (such as structural, functional, and spatial information, amino acid conservation, physicochemical variation, residue mobility, and thermodynamic stability) indicates that this missense variant is not expected to disrupt KCNN4 protein function with a negative predictive value of 80%. In summary, the available evidence is currently insufficient to determine the role of this variant in disease. Therefore, it has been classified as a Variant of Uncertain Significance.